The following is an entry in ClinVar:

ClinVar aggregate classification (germline): Conflicting classifications of pathogenicity. Review status: criteria provided, conflicting classifications (1 of 4 stars). 2 submissions from 2 submitters: Uncertain significance (1); Likely benign (1). Last evaluated 2026-01-29.

Conditions:
WASF1-related disorder. Also called: WASF1-related condition.
Inborn genetic diseases. Identifiers: MedGen C0950123, MeSH D030342.

gnomAD v4.1: 28 of 1,417,312 alleles (0.002%); highest among the groups gnomAD compares: Non-Finnish European, 0.0025%; no homozygotes.

Submissions (2):

PreventionGenetics, part of Exact Sciences
Classification: Likely benign for WASF1-related condition. Last evaluated: 2026-01-29. Review status: criteria provided, single submitter. Criteria: ACMG Guidelines, 2015. Collection method: clinical testing. Allele origin: germline.
Comment: This variant is classified as likely benign based on ACMG/AMP sequence variant interpretation guidelines (Richards et al. 2015 PMID: 25741868, with internal and published modifications).

Ambry Genetics
Classification: Uncertain significance for Inborn genetic diseases. Last evaluated: 2025-03-20. Review status: criteria provided, single submitter. Criteria: Ambry Variant Classification Scheme 2023. Collection method: clinical testing. Allele origin: germline.

NM_003931.3(WASF1):c.911T>A (p.Ile304Lys)

Gene: WASF1 (WASP family member 1; minus strand). Cytogenetic location: 6q21.
Variant type: single nucleotide variant.
Coding change: c.911T>A on transcript NM_003931.3 (MANE Select); coding-DNA position 911, T replaced by A.
Protein change: p.Ile304Lys; replaces isoleucine 304 with lysine.
Molecular consequence: missense variant.
Genome position (GRCh38, 1-based): chr6:110,102,199, A>T on the plus strand (T>A on the coding strand, the complement: WASF1 is on the minus strand). VCF-style: chr6-110102199-A-T. GRCh37 (hg19) VCF-style: chr6-110423402-A-T.
Other names: c.911T>A, p.Ile304Lys (NM_001024934.2, NM_001024935.2, NM_001024936.2); short protein forms I304K.
Identifiers: ClinVar variation 3980551 (VCV003980551.2).
Genomic context (GRCh38, chr6:110,102,199, plus strand): 5'-GGAGTGGGGCTCACAAACACAGGTGTTCTGCCTGTAGCTGGTGACTGAGGGCGATTTTCT[A>T]TCAAACCTGTAGCAGAACTGAAATGACAAAGAGATTCTAGCAAGTTATTAAAAGAGAAAA-3'
Protein context (NP_003922.1, residues 294-314): PTCISSATGL[Ile304Lys]ENRPQSPATG